The following is an entry in ClinVar:

NM_000138.5(FBN1):c.793A>G (p.Thr265Ala)

Gene: FBN1 (fibrillin 1; minus strand). Cytogenetic location: 15q21.1.
Variant type: single nucleotide variant.
Coding change: c.793A>G on transcript NM_000138.5 (MANE Select); coding-DNA position 793, A replaced by G.
Protein change: p.Thr265Ala; replaces threonine 265 with alanine.
Molecular consequence: missense variant.
Genome position (GRCh38, 1-based): chr15:48,534,149, T>C on the plus strand (A>G on the coding strand, the complement: FBN1 is on the minus strand). VCF-style: chr15-48534149-T-C. GRCh37 (hg19) VCF-style: chr15-48826346-T-C.
Other names: c.793A>G, p.Thr265Ala (NM_001406716.1, NM_001406717.1); short protein forms T265A.
Identifiers: ClinVar variation 4758159 (VCV004758159.1).

ClinVar aggregate classification (germline): Uncertain significance (1 of 4 stars; one submission).

Conditions:
Familial thoracic aortic aneurysm and aortic dissection (TAAD). Also called: Thoracic aortic aneurysms and dissections. Identifiers: Orphanet 91387, MedGen C4707243, MONDO:0019625.

Submission:

Color Diagnostics, LLC DBA Color Health
Classification: Uncertain significance for Familial thoracic aortic aneurysm and aortic dissection. Last evaluated: 2025-10-12. Review status: criteria provided, single submitter. Criteria: ACMG Guidelines, 2015. Collection method: clinical testing. Allele origin: germline.
Comment: This missense variant replaces threonine with alanine at codon 265 of the FBN1 protein. Computational prediction suggests that this variant may have deleterious impact on protein structure and function. To our knowledge, functional studies have not been reported for this variant. This variant has not been reported in individuals affected with FBN1-related disorders in the literature. This variant has not been identified in the general population by the Genome Aggregation Database (gnomAD). The available evidence is insufficient to determine the role of this variant in disease conclusively. Therefore, this variant is classified as a Variant of Uncertain Significance.